The following is an entry in ClinVar:

ClinVar aggregate classification (germline): Pathogenic (1 of 4 stars; one submission).

Conditions:
Trichohepatoenteric syndrome 2 (THES2). Identifiers: Orphanet 84064, MedGen C3281289, MONDO:0013818, OMIM 614602.

Submission:

Victorian Clinical Genetics Services, Murdoch Childrens Research Institute
Classification: Pathogenic for Trichohepatoenteric syndrome 2. Last evaluated: 2022-02-02. Review status: criteria provided, single submitter. Criteria: ACMG Guidelines, 2015. Collection method: clinical testing. Allele origin: germline. Inheritance: Autosomal recessive inheritance.
Comment: Based on the classification scheme VCGS_Germline_v1.3.4, this variant is classified as Pathogenic. Following criteria are met: 0102 - Loss of function is a known mechanism of disease in this gene and is associated with trichohepatoenteric syndrome 2 (MIM#614602). (I) 0106 - This gene is associated with autosomal recessive disease. (I) 0201 - Variant is predicted to cause nonsense-mediated decay (NMD) and loss of protein (premature termination codon is located at least 54 nucleotides upstream of the final exon-exon junction). (SP) 0251 - This variant is heterozygous. (I) 0301 - Variant is absent from gnomAD (both v2 and v3). (SP) 0701 - Other NMD-predicted variants comparable to the one identified in this case have very strong previous evidence for pathogenicity. These variant have been reported as pathogenic, and observed in individuals with trichohepatoenteric syndrome (ClinVar, PMID: 27431780)] (SP) 0807 - This variant has no previous evidence of pathogenicity. (I) 0905 - No published segregation evidence has been identified for this variant. (I) 1007 - No published functional evidence has been identified for this variant. (I) 1208 - Inheritance information for this variant is not currently available in this individual. (I) Legend: (SP) - Supporting pathogenic, (I) - Information, (SB) - Supporting benign

Literature cited by the submitters: PubMed 27431780.

NM_006929.5(SKIC2):c.510_511insAGCTGAACACACGG (p.Glu171delinsSerTer)

Gene: SKIC2 (SKI2 subunit of superkiller complex; plus strand). Cytogenetic location: 6p21.33.
Variant type: Insertion.
Coding change: c.510_511insAGCTGAACACACGG on transcript NM_006929.5 (MANE Select); coding-DNA positions 510 to 511, AGCTGAACACACGG inserted.
Protein change: p.Glu171delinsSerTer.
Molecular consequence: nonsense.
Genome position: GRCh38 VCF-style: chr6-31960694-T-TCTGAACACACGGAG. GRCh37 (hg19) VCF-style: chr6-31928471-T-TCTGAACACACGGAG.
Identifiers: ClinVar variation 1805097 (VCV001805097.1), dbSNP rs2482893792, ClinGen allele CA2573050743.